The following is an entry in ClinVar:

ClinVar aggregate classification (germline): Conflicting classifications of pathogenicity. Review status: criteria provided, conflicting classifications (1 of 4 stars). 6 submissions from 5 submitters: Likely pathogenic (1); Uncertain significance (4); Benign (1). Last evaluated 2026-07-01.

Conditions:
Aicardi-Goutieres syndrome 7 (AGS7). Identifiers: Orphanet 51, MedGen C3888244, MONDO:0014367, OMIM 615846.
Singleton-Merten syndrome 1 (SGMRT1). Also called: Widened medullary cavities of bone, aortic calcification, abnormal dentition, and muscular weakness; Syndrome of widened medullary cavities of the metacarpals and phalanges, aortic calcification and abnormal dentition. Identifiers: Orphanet 85191, MedGen C4225427, MONDO:0024535, OMIM 182250.
IFIH1-related disorder. Also called: IFIH1-related condition.
Immunodeficiency 95 (IMD95). Identifiers: MedGen C5676929, MONDO:0030692, OMIM 619773.

Submissions (6):

CeGaT Center for Human Genetics Tuebingen
Classification: Uncertain significance. Last evaluated: 2026-07-01. Review status: criteria provided, single submitter. Criteria: CeGaT Center For Human Genetics Tuebingen Variant Classification Criteria Version 2. Collection method: clinical testing. Allele origin: germline. Affected: yes. Observed: 1 variant allele.

Labcorp Genetics (formerly Invitae), Labcorp
Classification: Benign for Aicardi-Goutieres syndrome 7; Singleton-Merten syndrome 1. Last evaluated: 2025-10-21. Review status: criteria provided, single submitter. Criteria: Invitae Variant Classification Sherloc (09022015). Collection method: clinical testing. Allele origin: germline.

PreventionGenetics, part of Exact Sciences
Classification: Uncertain significance for IFIH1-related condition. Last evaluated: 2025-09-10. Review status: criteria provided, single submitter. Criteria: ACMG Guidelines, 2015. Collection method: clinical testing. Allele origin: germline.
Comment: The IFIH1 c.2035_2036delTT variant is predicted to result in a frameshift and premature protein termination (p.Leu679Ilefs*3). This variant was reported in the compound heterozygous state in an individual with very early onset inflammatory bowel disease (Cananzi et al. 2021. PubMed ID: 34185153). This variant was also reported in the heterozygous state in a patient from the IDIOM rare disease study with a phenotype of dystonia/parkinsonism (Table S3A, Salfati et al. 2019. PubMed ID: 31847883). This variant is reported in 0.017% of alleles in individuals of European (non-Finnish) descent in gnomAD, which may be too frequent to be a primary cause of autosomal dominant disease. At this time, the clinical significance of this variant is uncertain due to the absence of conclusive functional and genetic evidence.

Variantyx, Inc.
Classification: Likely pathogenic for Immunodeficiency 95. Last evaluated: 2025-05-19. Review status: criteria provided, single submitter. Criteria: Variantyx Assertion Criteria 2022. Collection method: clinical testing. Allele origin: germline. Inheritance: Autosomal recessive inheritance. Affected: no.
Comment: This is a frameshift variant in the IFIH1 gene (OMIM: 606951). Pathogenic variants in this gene have been associated with autosomal recessive immunodeficiency 95. This variant introduces a premature termination codon in exon 10 out of 16and is expected to result in loss of function, which is a known disease mechanism for IFIH1 in this disorder (PMID: 34185153) (PVS1). This variant has a 0.0163% maximum allele frequency in non-founder control populations (PM2). It has been reported in the homozygous or compound heterozygous state in at least one affected individual (PMID:37342449). Based on the current evidence, this variant is classified as likely pathogenic for autosomal recessive immunodeficiency 95.

Genomic Research Center, Shahid Beheshti University of Medical Sciences
Classification: Uncertain significance for Aicardi-Goutieres syndrome 7. Last evaluated: 2019-04-27. Review status: criteria provided, single submitter. Criteria: ACMG Guidelines, 2015. Collection method: clinical testing. Allele origin: unknown. Affected: yes.

Genomic Research Center, Shahid Beheshti University of Medical Sciences
Classification: Uncertain significance for Singleton-Merten syndrome 1. Last evaluated: 2019-04-27. Review status: criteria provided, single submitter. Criteria: ACMG Guidelines, 2015. Collection method: clinical testing. Allele origin: unknown. Affected: yes.

Literature cited by the submitters: PubMed 34185153 (cited by Variantyx, Inc.); PubMed 37342449 (cited by Variantyx, Inc.).

NM_022168.4(IFIH1):c.2035_2036del (p.Leu679fs)

Gene: IFIH1 (interferon induced with helicase C domain 1; minus strand). Cytogenetic location: 2q24.2.
Variant type: Deletion.
Coding change: c.2035_2036del on transcript NM_022168.4 (MANE Select); coding-DNA positions 2035 to 2036, 2 bases deleted (TT; older notation c.2035_2036delTT).
Protein change: p.Leu679fs; shifts the reading frame from leucine 679.
Molecular consequence: frameshift variant.
Genome position (GRCh38, 1-based): chr2:162,277,423-162,277,424, AA deleted on the plus strand (TT on the coding strand, the reverse complement: IFIH1 is on the minus strand); deleting any 2 consecutive bases within chr2:162,277,423-162,277,425 gives the same sequence; the c. name uses the placement nearest the transcript's 3' end. VCF-style (leftmost placement, unchanged base first): chr2-162277422-TAA-T. GRCh37 (hg19) VCF-style: chr2-163133932-TAA-T.
Other names: c.2035_2036del, p.Leu679fs (LRG_1235t1); c.2035_2036del (NM_022168.3); short protein forms L679fs.
Identifiers: ClinVar variation 638319 (VCV000638319.13), dbSNP rs774076578, ClinGen allele CA1934324.